The following is an entry in ClinVar:

ClinVar aggregate classification (germline): Conflicting classifications of pathogenicity. Review status: criteria provided, conflicting classifications (1 of 4 stars). 4 submissions from 4 submitters: Likely pathogenic (2); Uncertain significance (2). Last evaluated 2026-02-11.

Conditions:
Autosomal recessive nonsyndromic hearing loss 4 (DFNB4). Also called: FOXI1-Related Pendred Syndrome; KCNJ10-Related Pendred Syndrome; DEAFNESS, AUTOSOMAL RECESSIVE 4, WITH ENLARGED VESTIBULAR AQUEDUCT, DIGENIC; Deafness, autosomal recessive 4; Nonsyndromic enlarged vestibular aqueduct (NSEVA); Deafness, autosomal recessive 4, with enlarged vestibular aqueduct. Identifiers: Orphanet 90636, MedGen C3538946, MONDO:0010933, OMIM 600791.

Submissions (4):

GeneDx
Classification: Likely pathogenic. Last evaluated: 2026-02-11. Review status: criteria provided, single submitter. Criteria: GeneDx Variant Classification Process June 2021. Collection method: clinical testing. Allele origin: germline.
Comment: Not observed at significant frequency in large population cohorts (gnomAD); In silico analysis supports that this missense variant has a deleterious effect on protein structure/function; This variant is associated with the following publications: (PMID: 39675189, 40507467, 38894825, 39504961)

Genomic Medicine Center of Excellence, King Faisal Specialist Hospital and Research Centre
Classification: Likely pathogenic for Autosomal recessive nonsyndromic hearing loss 4. Last evaluated: 2024-03-26. Review status: criteria provided, single submitter. Criteria: ACMG Guidelines, 2015. Collection method: clinical testing. Allele origin: germline.

Labcorp Genetics (formerly Invitae), Labcorp
Classification: Uncertain significance. Last evaluated: 2021-10-02. Review status: criteria provided, single submitter. Criteria: Invitae Variant Classification Sherloc (09022015). Collection method: clinical testing. Allele origin: germline.
Comment: This sequence change replaces valine with phenylalanine at codon 412 of the SLC26A4 protein (p.Val412Phe). The valine residue is highly conserved and there is a small physicochemical difference between valine and phenylalanine. This variant is not present in population databases (ExAC no frequency). This variant has been observed in individual(s) with deafness (Invitae). ClinVar contains an entry for this variant (Variation ID: 1028755). Advanced modeling of protein sequence and biophysical properties (such as structural, functional, and spatial information, amino acid conservation, physicochemical variation, residue mobility, and thermodynamic stability) performed at Invitae indicates that this missense variant is expected to disrupt SLC26A4 protein function. In summary, the available evidence is currently insufficient to determine the role of this variant in disease. Therefore, it has been classified as a Variant of Uncertain Significance.

Baylor Genetics
Classification: Uncertain significance for Autosomal recessive nonsyndromic hearing loss 4. Last evaluated: 2019-09-30. Review status: criteria provided, single submitter. Criteria: ACMG Guidelines, 2015. Collection method: clinical testing. Allele origin: unknown. Affected: yes.
Comment: This variant was determined to be of uncertain significance according to ACMG Guidelines, 2015 [PMID:25741868].

NM_000441.2(SLC26A4):c.1234G>T (p.Val412Phe)

Gene: SLC26A4 (solute carrier family 26 member 4; plus strand). Cytogenetic location: 7q22.3.
Variant type: single nucleotide variant.
Coding change: c.1234G>T on transcript NM_000441.2 (MANE Select); coding-DNA position 1234, G replaced by T.
Protein change: p.Val412Phe; replaces valine 412 with phenylalanine.
Molecular consequence: missense variant.
Genome position (GRCh38, 1-based): chr7:107,690,208, G>T. VCF-style: chr7-107690208-G-T. GRCh37 (hg19) VCF-style: chr7-107330653-G-T.
Other names: short protein forms V412F.
Identifiers: ClinVar variation 1028755 (VCV001028755.6), dbSNP rs111033527, ClinGen allele CA368839280.